The following is an entry in ClinVar:

ClinVar aggregate classification (germline): Likely pathogenic (1 of 4 stars; one submission).

Allele frequency attached by ClinVar (database versions not stated): gnomAD exomes below 0.00001.

Submission:

Mayo Clinic Laboratories, Mayo Clinic
Classification: Likely pathogenic. Last evaluated: 2021-04-06. Review status: criteria provided, single submitter. Criteria: ACMG Guidelines, 2015. Collection method: clinical testing. Allele origin: germline.
Comment: PVS1, PM2

NM_020435.4(GJC2):c.742C>T (p.Gln248Ter)

Gene: GJC2 (gap junction protein gamma 2; plus strand). Cytogenetic location: 1q42.13.
Variant type: single nucleotide variant.
Coding change: c.742C>T on transcript NM_020435.4 (MANE Select); coding-DNA position 742, C replaced by T.
Protein change: p.Gln248Ter; replaces glutamine 248 with a stop codon.
Molecular consequence: nonsense.
Genome position (GRCh38, 1-based): chr1:228,158,500, C>T. VCF-style: chr1-228158500-C-T. GRCh37 (hg19) VCF-style: chr1-228346201-C-T.
Other names: p.Gln248*; short protein forms Q248*.
Identifiers: ClinVar variation 1686648 (VCV001686648.4), dbSNP rs1389799347, ClinGen allele CA345099258.